The following is an entry in ClinVar:

ClinVar aggregate classification (germline): Uncertain significance (1 of 4 stars; one submission).

Allele frequency attached by ClinVar (database versions not stated): gnomAD exomes below 0.00001.

Submission:

Labcorp Genetics (formerly Invitae), Labcorp
Classification: Uncertain significance. Last evaluated: 2021-04-06. Review status: criteria provided, single submitter. Criteria: Invitae Variant Classification Sherloc (09022015). Collection method: clinical testing. Allele origin: germline.
Comment: This variant has not been reported in the literature in individuals with NLRP1-related conditions. Algorithms developed to predict the effect of missense changes on protein structure and function output the following: SIFT: "Tolerated"; PolyPhen-2: "Benign"; Align-GVGD: "Class C0". The lysine amino acid residue is found in multiple mammalian species, suggesting that this missense change does not adversely affect protein function. These predictions have not been confirmed by published functional studies and their clinical significance is uncertain. This sequence change replaces glutamic acid with lysine at codon 225 of the NLRP1 protein (p.Glu225Lys). The glutamic acid residue is weakly conserved and there is a small physicochemical difference between glutamic acid and lysine. This variant is not present in population databases (ExAC no frequency). In summary, the available evidence is currently insufficient to determine the role of this variant in disease. Therefore, it has been classified as a Variant of Uncertain Significance.

NM_033004.4(NLRP1):c.673G>A (p.Glu225Lys)

Gene: NLRP1 (NLR family pyrin domain containing 1; minus strand). Cytogenetic location: 17p13.2.
Variant type: single nucleotide variant.
Coding change: c.673G>A on transcript NM_033004.4 (MANE Select); coding-DNA position 673, G replaced by A.
Protein change: p.Glu225Lys; replaces glutamic acid 225 with lysine.
Molecular consequence: missense variant.
Genome position (GRCh38, 1-based): chr17:5,560,023, C>T on the plus strand (G>A on the coding strand, the complement: NLRP1 is on the minus strand). VCF-style: chr17-5560023-C-T. GRCh37 (hg19) VCF-style: chr17-5463343-C-T.
Other names: c.673G>A, p.Glu225Lys (NM_001033053.3, NM_014922.5, NM_033006.4 and 1 more transcripts); short protein forms E225K.
Identifiers: ClinVar variation 1442749 (VCV001442749.8), dbSNP rs1209928979, ClinGen allele CA397388272.